The following is an entry in ClinVar:

ClinVar aggregate classification (germline): Pathogenic/Likely pathogenic. Review status: criteria provided, multiple submitters, no conflicts (2 of 4 stars). 9 submissions from 8 submitters: Pathogenic (6); Likely pathogenic (3). Last evaluated 2025-06-09.

Conditions:
USH2A-related disorder. Also called: USH2A-related disorders; USH2A-related condition. Identifiers: MedGen CN239332.
Retinitis pigmentosa 39 (RP39). Identifiers: Orphanet 791, MedGen C3151138, MONDO:0013436, OMIM 613809.
Usher syndrome type 2A. Also called: USHER SYNDROME, TYPE IIA; RETINAL DISEASE IN USHER SYNDROME TYPE IIA, MODIFIER OF. Identifiers: Orphanet 231178, Orphanet 886, MedGen C1848634, MONDO:0010169, OMIM 276901.
Usher syndrome type 2. Also called: Usher Syndrome Type II. Identifiers: Orphanet 231178, MedGen C0339534, MONDO:0016484.

Submissions (9):

Natera, Inc.
Classification: Pathogenic for Usher syndrome type 2A. Last evaluated: 2025-06-09. Review status: criteria provided, single submitter. Criteria: Natera Variant Classification Schema (03/2026). Collection method: clinical testing. Allele origin: germline.
Comment: The c.14761G>T variant in USH2A is a nonsense variant predicted to introduce a stop codon at amino acid 4921. This variant is expected to result in nonsense mediated decay, truncation, or a dysfunctional protein product. This variant is rare in the general population with a frequency below the threshold expected for the associated phenotype(s). This variant has been observed in one or more individuals affected with the associated recessive disease, as either homozygous or compound heterozygous with a second variant (PMID: 32531858, 32856788). Given the available evidence, this variant is classified as Pathogenic.

GeneDx
Classification: Pathogenic. Last evaluated: 2025-03-04. Review status: criteria provided, single submitter. Criteria: GeneDx Variant Classification Process June 2021. Collection method: clinical testing. Allele origin: germline. Affected: yes.
Comment: Nonsense variant predicted to result in protein truncation or nonsense mediated decay in a gene for which loss of function is a known mechanism of disease; Not observed at significant frequency in large population cohorts (gnomAD); This variant is associated with the following publications: (PMID: 34906470, 32531858)

Fulgent Genetics
Classification: Pathogenic for Usher syndrome type 2A; Retinitis pigmentosa 39. Last evaluated: 2024-02-15. Review status: criteria provided, single submitter. Criteria: ACMG Guidelines, 2015. Collection method: clinical testing. Allele origin: germline.

Baylor Genetics
Classification: Pathogenic for Retinitis pigmentosa 39. Last evaluated: 2023-12-21. Review status: criteria provided, single submitter. Criteria: ACMG Guidelines, 2015. Collection method: clinical testing. Allele origin: unknown.

Genome-Nilou Lab
Classification: Likely pathogenic for Retinitis pigmentosa 39. Last evaluated: 2023-11-04. Review status: criteria provided, single submitter. Criteria: ACMG Guidelines, 2015. Collection method: clinical testing. Allele origin: germline. Affected: no.

Genome-Nilou Lab
Classification: Likely pathogenic for Usher syndrome type 2A. Last evaluated: 2023-11-04. Review status: criteria provided, single submitter. Criteria: ACMG Guidelines, 2015. Collection method: clinical testing. Allele origin: germline. Affected: no.

Ocular Genomics Institute, Massachusetts Eye and Ear
Classification: Likely pathogenic for Retinitis pigmentosa 39. Last evaluated: 2021-04-08. Review status: criteria provided, single submitter. Criteria: ACMG Guidelines, 2015. Collection method: research. Allele origin: germline. Affected: yes.
Comment: Through a review of available evidence we were able to apply the following criteria: PVS1, PM2. Based on this evidence we have classified this variant as Likely Pathogenic.

Molecular Genetics Laboratory, Institute for Ophthalmic Research
Classification: Pathogenic for Usher syndrome type 2. Last evaluated: 2020-01-09. Review status: criteria provided, single submitter. Criteria: ACMG Guidelines, 2015. Collection method: research. Allele origin: germline. Affected: yes.

Blueprint Genetics
Classification: Pathogenic for USH2A-related disorders. Last evaluated: 2019-12-10. Review status: criteria provided, single submitter. Criteria: ACMG Guidelines, 2015. Collection method: clinical testing. Allele origin: germline. Affected: yes. Observed: 2 variant alleles.

Literature cited by the submitters: PubMed 32531858 (cited by Natera, Inc.); PubMed 32856788 (cited by Natera, Inc.).

NM_206933.4(USH2A):c.14761G>T (p.Glu4921Ter)

Gene: USH2A (usherin; minus strand). Cytogenetic location: 1q41.
Variant type: single nucleotide variant.
Coding change: c.14761G>T on transcript NM_206933.4 (MANE Select); coding-DNA position 14761, G replaced by T.
Protein change: p.Glu4921Ter; replaces glutamic acid 4921 with a stop codon.
Molecular consequence: nonsense.
Genome position (GRCh38, 1-based): chr1:215,647,552, C>A on the plus strand (G>T on the coding strand, the complement: USH2A is on the minus strand). VCF-style: chr1-215647552-C-A. GRCh37 (hg19) VCF-style: chr1-215820894-C-A.
Other names: short protein forms E4921*.
Identifiers: ClinVar variation 813115 (VCV000813115.8), dbSNP rs754834155, ClinGen allele CA344830880.